The following is an entry in ClinVar:

ClinVar aggregate classification (germline): Uncertain significance (1 of 4 stars; one submission).

Conditions:
Inborn genetic diseases. Identifiers: MedGen C0950123, MeSH D030342.

gnomAD v4.1: 14 of 1,605,836 alleles (0.00087%); highest among the groups gnomAD compares: Non-Finnish European, 0.0011%; no homozygotes.

Submission:

Ambry Genetics
Classification: Uncertain significance for Inborn genetic diseases. Last evaluated: 2026-07-23. Review status: criteria provided, single submitter. Criteria: Ambry Variant Classification Scheme 2023. Collection method: clinical testing. Allele origin: germline.
Comment: The c.8248G>A (p.V2750I) alteration is located in exon 53 (coding exon 53) of the DNAH2 gene. This alteration results from a G to A substitution at nucleotide position 8248, causing the valine (V) at amino acid position 2750 to be replaced by an isoleucine (I). Based on data from gnomAD, the A allele has an overall frequency of <0.001% (1/249598) total alleles studied. The highest observed frequency was 0.001% (1/112814) of European (non-Finnish) alleles. Based on insufficient or conflicting evidence, the clinical significance of this alteration remains unclear.

NM_020877.5(DNAH2):c.8248G>A (p.Val2750Ile)

Gene: DNAH2 (dynein axonemal heavy chain 2; plus strand). Cytogenetic location: 17p13.1.
Variant type: single nucleotide variant.
Coding change: c.8248G>A on transcript NM_020877.5 (MANE Select); coding-DNA position 8248, G replaced by A.
Protein change: p.Val2750Ile; replaces valine 2750 with isoleucine.
Molecular consequence: missense variant.
Genome position (GRCh38, 1-based): chr17:7,798,174, G>A. VCF-style: chr17-7798174-G-A. GRCh37 (hg19) VCF-style: chr17-7701492-G-A.
Other names: short protein forms V2750I.
Identifiers: ClinVar variation 5035455 (VCV005035455.1).